The following is an entry in ClinVar:

NM_000539.3(RHO):c.1040C>G (p.Pro347Arg)

Gene: RHO (rhodopsin; plus strand). Cytogenetic location: 3q22.1.
Variant type: single nucleotide variant.
Coding change: c.1040C>G on transcript NM_000539.3 (MANE Select); coding-DNA position 1040, C replaced by G.
Protein change: p.Pro347Arg; replaces proline 347 with arginine.
Molecular consequence: missense variant.
Genome position (GRCh38, 1-based): chr3:129,533,711, C>G. VCF-style: chr3-129533711-C-G. GRCh37 (hg19) VCF-style: chr3-129252554-C-G.
Other names: short protein forms P347R.
Identifiers: ClinVar variation 13032 (VCV000013032.10), dbSNP rs29001566, ClinGen allele CA256678.

ClinVar aggregate classification (germline): Pathogenic. Review status: criteria provided, single submitter (1 of 4 stars). 3 submissions from 3 submitters: Pathogenic (1). 2 of the submissions do not count toward it. Last evaluated 2025-03-10.

Conditions:
Retinitis pigmentosa (RP). Identifiers: Orphanet 791, MedGen C0035334, MeSH D012174, MONDO:0019200, OMIM 268000. Inheritance: Autosomal dominant, autosomal recessive and X linked inheritance.
Retinitis pigmentosa 4 (RP4). Also called: RETINITIS PIGMENTOSA, RHODOPSIN-RELATED. Identifiers: Orphanet 791, MedGen C3151001, MONDO:0013395, OMIM 613731.

Submissions (3):

Labcorp Genetics (formerly Invitae), Labcorp
Classification: Pathogenic. Last evaluated: 2025-03-10. Review status: criteria provided, single submitter. Criteria: Invitae Variant Classification Sherloc (09022015). Collection method: clinical testing. Allele origin: germline.
Comment: This sequence change replaces proline, which is neutral and non-polar, with arginine, which is basic and polar, at codon 347 of the RHO protein (p.Pro347Arg). This variant is not present in population databases (gnomAD no frequency). This missense change has been observed in individuals with autosomal dominant retinitis pigmentosa (PMID: 1840561, 26962691). It has also been observed to segregate with disease in related individuals. ClinVar contains an entry for this variant (Variation ID: 13032). Invitae Evidence Modeling of protein sequence and biophysical properties (such as structural, functional, and spatial information, amino acid conservation, physicochemical variation, residue mobility, and thermodynamic stability) indicates that this missense variant is expected to disrupt RHO protein function with a positive predictive value of 95%. This variant disrupts the p.Pro347 amino acid residue in RHO. Other variant(s) that disrupt this residue have been determined to be pathogenic (PMID: 2215617, 25221422). This suggests that this residue is clinically significant, and that variants that disrupt this residue are likely to be disease-causing. For these reasons, this variant has been classified as Pathogenic.

Sharon lab, Hadassah-Hebrew University Medical Center
Classification: Likely pathogenic for Retinitis pigmentosa. Last evaluated: 2019-06-23. Review status: no assertion criteria provided. Collection method: research. Allele origin: inherited. Affected: yes. Not counted in ClinVar's aggregate classification.

OMIM
Classification: Pathogenic for RETINITIS PIGMENTOSA 4. Last evaluated: 1991-10-01. Review status: no assertion criteria provided. Collection method: literature only. Allele origin: germline. Not counted in ClinVar's aggregate classification.

Literature cited by the submitters: PubMed 1840561 (cited by Labcorp Genetics (formerly Invitae), Labcorp and OMIM); PubMed 26962691 (cited by Labcorp Genetics (formerly Invitae), Labcorp); PubMed 2215617 (cited by Labcorp Genetics (formerly Invitae), Labcorp and OMIM); PubMed 25221422 (cited by Labcorp Genetics (formerly Invitae), Labcorp).